The following is an entry in ClinVar:

NM_006445.4(PRPF8):c.1984+6T>A

Gene: PRPF8 (pre-mRNA processing factor 8; minus strand). Cytogenetic location: 17p13.3.
Variant type: single nucleotide variant.
Coding change: c.1984+6T>A on transcript NM_006445.4 (MANE Select); 6 bases into the intron after coding-DNA position 1984, T replaced by A.
Molecular consequence: intron variant.
Genome position (GRCh38, 1-based): chr17:1,677,559, A>T on the plus strand (T>A on the coding strand, the complement: PRPF8 is on the minus strand). VCF-style: chr17-1677559-A-T. GRCh37 (hg19) VCF-style: chr17-1580853-A-T.
Identifiers: ClinVar variation 2008337 (VCV002008337.4), dbSNP rs2543771282, ClinGen allele CA2580092435.
Genomic context (GRCh38, chr17:1,677,559, plus strand): 5'-CTCAAACAGGGGCAGGTACTTTTGAAGCAATAACAGGAGAAGTTGGACACAGAGAAAACC[A>T]CTCACCTTCAAACTGCCGGGCCAGGAGGTTGCCAAGCCATCGCTCTAATAAAGGGGTAAT-3'

ClinVar aggregate classification (germline): Uncertain significance (1 of 4 stars; one submission).

Submission:

Labcorp Genetics (formerly Invitae), Labcorp
Classification: Uncertain significance. Last evaluated: 2022-06-19. Review status: criteria provided, single submitter. Criteria: Invitae Variant Classification Sherloc (09022015). Collection method: clinical testing. Allele origin: germline.
Comment: In summary, the available evidence is currently insufficient to determine the role of this variant in disease. Therefore, it has been classified as a Variant of Uncertain Significance. Variants that disrupt the consensus splice site are a relatively common cause of aberrant splicing (PMID: 17576681, 9536098). Algorithms developed to predict the effect of sequence changes on RNA splicing suggest that this variant may disrupt the consensus splice site. This variant has not been reported in the literature in individuals affected with PRPF8-related conditions. This variant is not present in population databases (gnomAD no frequency). This sequence change falls in intron 14 of the PRPF8 gene. It does not directly change the encoded amino acid sequence of the PRPF8 protein. It affects a nucleotide within the consensus splice site.

Literature cited by the submitters: PubMed 17576681; PubMed 9536098.